The following is an entry in ClinVar:

ClinVar aggregate classification (germline): Pathogenic. Review status: criteria provided, multiple submitters, no conflicts (2 of 4 stars). 2 submissions from 2 submitters: Pathogenic (2). Last evaluated 2025-07-28.

Conditions:
Bloom syndrome (BLM). Also called: Bloom-Torre-Machacek syndrome. Identifiers: Orphanet 125, MedGen C0005859, MONDO:0008876, OMIM 210900.

Submissions (2):

Myriad Genetics, Inc.
Classification: Pathogenic for Bloom syndrome. Last evaluated: 2025-07-28. Review status: criteria provided, single submitter. Criteria: Myriad Autosomal Dominant, Autosomal Recessive and X-Linked Classification Criteria (2023). Collection method: clinical testing. Allele origin: unknown.
Comment: NM_000057.3(BLM):c.3278C>G(S1093*) is a nonsense variant classified as pathogenic in the context of Bloom syndrome. S1093* has been observed in a case with relevant disease (PMID: 17407155). Relevant functional assessments of this variant are not available in the literature. S1093* has not been observed in referenced population frequency databases. In summary, NM_000057.3(BLM):c.3278C>G(S1093*) is a nonsense variant in a gene where loss of function is a known mechanism of disease, is predicted to disrupt protein function, and has been observed more frequently in cases with the relevant disease than in healthy populations. Please note: this variant was assessed in the context of healthy population screening.

Labcorp Genetics (formerly Invitae), Labcorp
Classification: Pathogenic for Bloom syndrome. Last evaluated: 2021-05-25. Review status: criteria provided, single submitter. Criteria: Invitae Variant Classification Sherloc (09022015). Collection method: clinical testing. Allele origin: germline.
Comment: For these reasons, this variant has been classified as Pathogenic. This variant has been observed in individual(s) with clinical features of Bloom syndrome (PMID:17407155). This variant is not present in population databases (ExAC no frequency). This sequence change creates a premature translational stop signal (p.Ser1093*) in the BLM gene. It is expected to result in an absent or disrupted protein product. Loss-of-function variants in BLM are known to be pathogenic (PMID: 17407155).

Literature cited by the submitters: PubMed 17407155 (cited by Myriad Genetics, Inc. and Labcorp Genetics (formerly Invitae), Labcorp).

NM_000057.4(BLM):c.3278C>G (p.Ser1093Ter)

Gene: BLM (BLM RecQ like helicase; plus strand). Cytogenetic location: 15q26.1.
Variant type: single nucleotide variant.
Coding change: c.3278C>G on transcript NM_000057.4 (MANE Select); coding-DNA position 3278, C replaced by G.
Protein change: p.Ser1093Ter; replaces serine 1093 with a stop codon.
Molecular consequence: nonsense.
Genome position (GRCh38, 1-based): chr15:90,798,257, C>G. VCF-style: chr15-90798257-C-G. GRCh37 (hg19) VCF-style: chr15-91341487-C-G.
Other names: c.3278C>G (LRG_20t1); c.3278C>G, p.Ser1093Ter (NM_001287246.2, NM_001287247.2); c.2153C>G, p.Ser718Ter (NM_001287248.2); short protein forms S1093*, S718*.
Identifiers: ClinVar variation 1453917 (VCV001453917.9), dbSNP rs367543017, ClinGen allele CA344530.